The following is an entry in ClinVar:

ClinVar aggregate classification (germline): Likely pathogenic (1 of 4 stars; one submission).

Conditions:
Biotinidase deficiency. Also called: BTD deficiency; Late-onset biotin-responsive multiple carboxylase deficiency; Biotin deficiency. Identifiers: Orphanet 79241, MedGen C0220754, MONDO:0009665, OMIM 253260.

Submission:

Natera, Inc.
Classification: Likely pathogenic for Biotinidase deficiency. Last evaluated: 2024-09-23. Review status: criteria provided, single submitter. Criteria: Natera Variant Classification Schema (03/2026). Collection method: clinical testing. Allele origin: germline.
Comment: The c.1573_1579dup variant in BTD is a frameshift variant predicted to shift the reading frame and introduce a stop codon. This variant is expected to result in nonsense mediated decay, truncation, or a dysfunctional protein product. This variant is rare in the general population with a frequency below the threshold expected for the associated phenotype(s). Given the available evidence, this variant is classified as Likely Pathogenic.

NM_000060.4:c.1573_1579dup

Variant type: Insertion.
Other names: c.1573_1579dup (NM_000060.4).
Identifiers: ClinVar variation 4815991 (VCV004815991.1).